The following is an entry in ClinVar:

ClinVar aggregate classification (germline): Benign/Likely benign. Review status: criteria provided, multiple submitters, no conflicts (2 of 4 stars). 5 submissions from 5 submitters: Benign (1); Likely benign (4). Last evaluated 2025-02-05.

Conditions:
Hereditary cancer-predisposing syndrome. Also called: Hereditary Cancer Syndrome; Neoplastic Syndromes, Hereditary; Hereditary neoplastic syndrome; Tumor predisposition. Identifiers: Orphanet 140162, MedGen C0027672, MeSH D009386, MONDO:0015356.
Hereditary diffuse gastric adenocarcinoma (HDGC). Also called: DIFFUSE GASTRIC AND LOBULAR BREAST CANCER SYNDROME. Identifiers: Orphanet 26106, MedGen C1708349, MONDO:0007648, OMIM 137215.
Breast and/or ovarian cancer. Identifiers: MedGen CN221562.

Allele frequency attached by ClinVar (database versions not stated): TOPMed below 0.00001; gnomAD 0.00001.
gnomAD v4.1: 2 of 1,613,612 alleles (0.00012%); highest among the groups gnomAD compares: Non-Finnish European, 0.000085%; no homozygotes.

Submissions (5):

Labcorp Genetics (formerly Invitae), Labcorp
Classification: Likely benign for Hereditary diffuse gastric adenocarcinoma. Last evaluated: 2025-02-05. Review status: criteria provided, single submitter. Criteria: Invitae Variant Classification Sherloc (09022015). Collection method: clinical testing. Allele origin: germline.

Myriad Genetics, Inc.
Classification: Benign for Hereditary diffuse gastric adenocarcinoma. Last evaluated: 2024-09-20. Review status: criteria provided, single submitter. Criteria: Myriad Autosomal Dominant, Autosomal Recessive and X-Linked Classification Criteria (2023). Collection method: clinical testing. Allele origin: unknown.
Comment: This variant is considered benign. This variant is a silent/synonymous amino acid change and it is not expected to impact splicing.

CHEO Genetics Diagnostic Laboratory, Children's Hospital of Eastern Ontario
Classification: Likely benign for Breast and/or ovarian cancer. Last evaluated: 2023-06-06. Review status: criteria provided, single submitter. Criteria: ACMG Guidelines, 2015. Collection method: clinical testing. Allele origin: germline.

Color Diagnostics, LLC DBA Color Health
Classification: Likely benign for Hereditary cancer-predisposing syndrome. Last evaluated: 2018-12-03. Review status: criteria provided, single submitter. Criteria: ACMG Guidelines, 2015. Collection method: clinical testing. Allele origin: germline.

Ambry Genetics
Classification: Likely benign for Hereditary cancer-predisposing syndrome. Last evaluated: 2017-10-25. Review status: criteria provided, single submitter. Criteria: Ambry Variant Classification Scheme 2023. Collection method: clinical testing. Allele origin: germline.

NM_004360.5(CDH1):c.2115G>A (p.Leu705=)

Gene: CDH1 (cadherin 1; plus strand). Cytogenetic location: 16q22.1.
Variant type: single nucleotide variant.
Coding change: c.2115G>A on transcript NM_004360.5 (MANE Select); coding-DNA position 2115, G replaced by A.
Protein change: p.Leu705=; no amino-acid change (leucine 705 retained).
Molecular consequence: synonymous variant.
Genome position (GRCh38, 1-based): chr16:68,823,577, G>A. VCF-style: chr16-68823577-G-A. GRCh37 (hg19) VCF-style: chr16-68857480-G-A.
Other names: c.1932G>A, p.Leu644= (NM_001317184.2); c.567G>A, p.Leu189= (NM_001317185.2); c.150G>A, p.Leu50= (NM_001317186.2).
Identifiers: ClinVar variation 820752 (VCV000820752.16), dbSNP rs759256066, ClinGen allele CA496392462.